The following is an entry in ClinVar:

NM_000038.6(APC):c.5077G>A (p.Glu1693Lys)

Gene: APC (APC regulator of Wnt signaling pathway; plus strand). Cytogenetic location: 5q22.2.
Variant type: single nucleotide variant.
Coding change: c.5077G>A on transcript NM_000038.6 (MANE Select); coding-DNA position 5077, G replaced by A.
Protein change: p.Glu1693Lys; replaces glutamic acid 1693 with lysine.
Molecular consequence: missense variant.
Genome position (GRCh38, 1-based): chr5:112,840,671, G>A. VCF-style: chr5-112840671-G-A. GRCh37 (hg19) VCF-style: chr5-112176368-G-A.
Other names: c.5077G>A (NM_000038.5); c.5077G>A, p.Glu1693Lys (NM_001127510.3, NM_001354895.2); c.5023G>A, p.Glu1675Lys (NM_001127511.3); c.5131G>A, p.Glu1711Lys (NM_001354896.2); c.5107G>A, p.Glu1703Lys (NM_001354897.2); c.5002G>A, p.Glu1668Lys (NM_001354898.2); c.4993G>A, p.Glu1665Lys (NM_001354899.2); c.4954G>A, p.Glu1652Lys (NM_001354900.2); and 6 more; short protein forms E1410K, E1533K, E1567K, E1592K, E1602K, E1634K, E1652K, E1665K.
Identifiers: ClinVar variation 1013729 (VCV001013729.11), dbSNP rs1765841513, ClinGen allele CA16032430.

ClinVar aggregate classification (germline): Uncertain significance. Review status: criteria provided, multiple submitters, no conflicts (2 of 4 stars). 2 submissions from 2 submitters: Uncertain significance (2). Last evaluated 2025-05-05.

Conditions:
Hereditary cancer-predisposing syndrome. Also called: Hereditary Cancer Syndrome; Tumor predisposition; Neoplastic Syndromes, Hereditary; Hereditary neoplastic syndrome. Identifiers: Orphanet 140162, MedGen C0027672, MeSH D009386, MONDO:0015356.
Familial adenomatous polyposis 1 (FAP1). Also called: FAMILIAL ADENOMATOUS POLYPOSIS 1, ATTENUATED; POLYPOSIS, ADENOMATOUS INTESTINAL. Identifiers: MedGen C2713442, MONDO:0021056, OMIM 175100. Disease mechanism: loss of function.

Submissions (2):

Labcorp Genetics (formerly Invitae), Labcorp
Classification: Uncertain significance for Familial adenomatous polyposis 1. Last evaluated: 2025-05-05. Review status: criteria provided, single submitter. Criteria: Invitae Variant Classification Sherloc (09022015). Collection method: clinical testing. Allele origin: germline.
Comment: This sequence change replaces glutamic acid, which is acidic and polar, with lysine, which is basic and polar, at codon 1693 of the APC protein (p.Glu1693Lys). This variant is not present in population databases (gnomAD no frequency). This variant has not been reported in the literature in individuals affected with APC-related conditions. ClinVar contains an entry for this variant (Variation ID: 1013729). Invitae Evidence Modeling of protein sequence and biophysical properties (such as structural, functional, and spatial information, amino acid conservation, physicochemical variation, residue mobility, and thermodynamic stability) indicates that this missense variant is not expected to disrupt APC protein function with a negative predictive value of 95%. In summary, the available evidence is currently insufficient to determine the role of this variant in disease. Therefore, it has been classified as a Variant of Uncertain Significance.

Ambry Genetics
Classification: Uncertain significance for Hereditary cancer-predisposing syndrome. Last evaluated: 2023-12-08. Review status: criteria provided, single submitter. Criteria: Ambry Variant Classification Scheme 2023. Collection method: clinical testing. Allele origin: germline.
Comment: The p.E1693K variant (also known as c.5077G>A), located in coding exon 15 of the APC gene, results from a G to A substitution at nucleotide position 5077. The glutamic acid at codon 1693 is replaced by lysine, an amino acid with similar properties. This amino acid position is conserved. In addition, in silico predictors for this gene do not accurately predict pathogenicity. Since supporting evidence is limited at this time, the clinical significance of this alteration remains unclear.